The following continues an entry in ClinVar:

NM_007294.4(BRCA1):c.5266dup (p.Gln1756fs)

Gene: BRCA1. ClinVar aggregate classification (germline): Pathogenic. Pathogenic (1).

Submissions 21 to 36 of 101:

3billion
Classification: Pathogenic for Breast-ovarian cancer, familial, susceptibility to, 1. Last evaluated: 2025-02-14. Review status: criteria provided, single submitter. Criteria: ACMG Guidelines, 2015. Collection method: clinical testing. Allele origin: germline. Affected: yes. Not counted in ClinVar's aggregate classification.
Comment: The variant is observed in the gnomAD v4.1.0 dataset (total allele frequency: 0.007%). Predicted Consequence/Location: Frameshift: predicted to result in a loss or disruption of normal protein function through nonsense-mediated decay (NMD) or protein truncation. Multiple pathogenic variants are reported downstream of the variant. The variant has been reported multiple times as an established pathogenic variant (ClinVar ID: VCV000017677 /PMID: 7894492 /3billion dataset). Therefore, this variant is classified as Pathogenic according to the recommendation of ACMG/AMP guideline.

Blueprint Genetics
Classification: Pathogenic for BRCA1-related disorders. Last evaluated: 2024-11-15. Review status: criteria provided, single submitter. Criteria: ACMG Guidelines, 2015. Collection method: clinical testing. Allele origin: germline. Affected: yes. Observed: 5 variant alleles. Not counted in ClinVar's aggregate classification.

Revvity Omics, Revvity
Classification: Pathogenic. Last evaluated: 2024-11-07. Review status: criteria provided, single submitter. Criteria: ACMG Guidelines, 2015. Collection method: clinical testing. Allele origin: germline. Not counted in ClinVar's aggregate classification.

Genomics and Molecular Medicine Service, East Genomic Laboratory Hub, NHS Genomic Medicine Service
Classification: Pathogenic for Inherited breast cancer and ovarian cancer. Last evaluated: 2024-10-23. Review status: criteria provided, single submitter. Criteria: ACGS Best Practice Guidelines for Variant Classification in Rare Disease 2020. Collection method: clinical testing. Allele origin: germline. Affected: yes. Not counted in ClinVar's aggregate classification.
Comment: PVS1,PM5_Strong

All of Us Research Program, National Institutes of Health
Classification: Pathogenic for BRCA1-related cancer predisposition. Last evaluated: 2024-09-28. Review status: criteria provided, single submitter. Criteria: ACMG Guidelines, 2015. Collection method: clinical testing. Allele origin: germline. Inheritance: Autosomal dominant inheritance. Observed: 39 variant alleles, 39 heterozygotes. Not counted in ClinVar's aggregate classification.
Comment: This variant (also known as 5382insC and 5385insC) inserts 1 nucleotide in exon 19 of the BRCA1 gene, causing a frameshift and a premature translational stop signal in the last exon. The mutant transcript is expected to escape nonsense-mediated decay and be expressed as a truncated protein that lacks the C-terminal BRCT domain. Experimental studies have shown that variant impacts BRCA1 function in homology-directed repair and subcellular localization assays (PMID: 14729053, 23867111). This variant is a well-known founder mutation in the Ashkenazi Jewish population and occurs at 0.13-0.28% minor allele frequency (PMID: 8841191, 9145676, 11466700, 30152102). This variant has been reported in numerous individuals affected with breast and/or ovarian cancer (PMID: 7545954, 7894492, 8531967, 9042909, 9150153, 17922257, 18334730, 21643751, 22430266, 25418591, 29335925, 30480775, 30606148, 30975216). This variant is the most globally frequent, pathogenic BRCA1 variant and has been reported in diverse populations in Africa, America, Asia and Europe (PMID: 24312913). The risk of female breast cancer among carriers of this mutation is 67-89% by age 70, and the risk of ovarian cancer is 22-42% by age 70 (PMID: 9145676, 15994883, 22430266). A breast cancer case-control meta-analysis has reported this variant in 97/60369 cases and 11/53450 controls with an estimated OR of 7.808 (95%CI 4.185 to 14.567) (PMID: 33471991; Leiden Open Variation Database DB-ID BRCA1_000440). This variant has been identified in 51/282892 chromosomes (24/10370 Ashkenazi Jewish chromosomes and 25/129200 Non-Finnish European chromosomes) in the general population by the Genome Aggregation Database (gnomAD). Loss of BRCA1 function is a known mechanism of disease. Based on the available evidence, this variant is classified as Pathogenic.

This study involves interpretation of variants in research participants for the purpose of population health screening. Participant phenotype was not available at the time of variant classification. Additional details can be found in publication PMID: 35346344, PMCID: PMC8962531

Cambridge Genomics Laboratory, East Genomic Laboratory Hub, NHS Genomic Medicine Service
Classification: Pathogenic for Inherited ovarian cancer (without breast cancer). Last evaluated: 2024-07-22. Review status: criteria provided, single submitter. Criteria: ACGS Best Practice Guidelines for Variant Classification in Rare Disease 2020. Collection method: clinical testing. Allele origin: germline. Affected: yes. Not counted in ClinVar's aggregate classification.
Comment: PVS1,PS4_Very Strong,PM5_Strong

Department of Clinical Genetics, Copenhagen University Hospital, Rigshospitalet
Classification: Pathogenic for Breast-ovarian cancer, familial, susceptibility to, 1. Last evaluated: 2024-05-27. Review status: criteria provided, single submitter. Criteria: ACMG Guidelines, 2015. Collection method: clinical testing. Allele origin: germline. Affected: yes. Not counted in ClinVar's aggregate classification.
Comment: PVS1; PM5_PTC_Strong

Institute for Genomic Medicine (IGM) Clinical Laboratory, Nationwide Children's Hospital
Classification: Pathogenic for Hereditary cancer-predisposing syndrome. Last evaluated: 2024-04-25. Review status: criteria provided, single submitter. Criteria: ACMG Guidelines, 2015. Collection method: clinical testing. Allele origin: germline. Not counted in ClinVar's aggregate classification.
Comment: This variant is predicted to result in loss of function through nonsense-mediated decay of the encoded transcript or premature truncation of the encoded protein in a gene in which loss of function is a known mechanism of disease (ACMG/AMP: PVS1_Strong; PMIDs:18431737, 20104584). Well-established functional studies have demonstrated this variant to have a damaging effect on protein function or splicing (ACMG/AMP: PS3; PMIDs:14729053, 23867111). This variant has been reported at an elevated frequency in affected individuals/in multiple affected individuals in the literature (ACMG/AMP: PS4; PMIDs:9042909, 22185575, 22430266).

Molecular Pathology, Peter Maccallum Cancer Centre
Classification: Pathogenic for Breast-ovarian cancer, familial, susceptibility to, 1. Last evaluated: 2024-04-22. Review status: criteria provided, single submitter. Criteria: ACMG Guidelines, 2015. Collection method: clinical testing. Allele origin: germline. Inheritance: Autosomal dominant inheritance. Not counted in ClinVar's aggregate classification.

Clinical Genetics Laboratory, Skane University Hospital Lund
Classification: Pathogenic. Last evaluated: 2024-03-18. Review status: criteria provided, single submitter. Criteria: ACMG Guidelines, 2015. Collection method: clinical testing. Allele origin: germline. Affected: yes. Not counted in ClinVar's aggregate classification.

Baylor Genetics
Classification: Pathogenic for Breast-ovarian cancer, familial, susceptibility to, 1. Last evaluated: 2024-03-17. Review status: criteria provided, single submitter. Criteria: ACMG Guidelines, 2015. Collection method: clinical testing. Allele origin: unknown. Not counted in ClinVar's aggregate classification.

Fulgent Genetics
Classification: Pathogenic for Breast-ovarian cancer, familial, susceptibility to, 1; Pancreatic cancer, susceptibility to, 4; Fanconi anemia, complementation group S. Last evaluated: 2024-03-14. Review status: criteria provided, single submitter. Criteria: ACMG Guidelines, 2015. Collection method: clinical testing. Allele origin: germline. Not counted in ClinVar's aggregate classification.

Clinical Genomics Laboratory, Washington University in St. Louis
Classification: Pathogenic for Breast-ovarian cancer, familial, susceptibility to, 1. Last evaluated: 2024-03-11. Review status: criteria provided, single submitter. Criteria: ACMG Guidelines, 2015. Collection method: clinical testing. Allele origin: germline. Not counted in ClinVar's aggregate classification.
Comment: The BRCA1 c.5266dup (p.Gln1756Profs*74) variant is one of the most common variants reported in Central and Eastern European families with high risk of breast and/or ovarian cancer (Janavicius R, PMID: 23199084). This variant causes a frameshift by inserting one nucleotide, leading to a premature termination codon, which is predicted to lead to nonsense mediated decay. This variant has been reported in the ClinVar database as a germline pathogenic variant by 10 submitters. Based on available information and the ACMG/AMP guidelines for variant interpretation (Richards S et al., PMID: 25741868), this variant is classified as pathogenic.

Institute of Immunology and Genetics Kaiserslautern
Classification: Pathogenic for Breast-ovarian cancer, familial, susceptibility to, 1. Last evaluated: 2024-02-02. Review status: criteria provided, single submitter. Criteria: ACMG Guidelines, 2015. Collection method: clinical testing. Allele origin: germline. Affected: yes. Not counted in ClinVar's aggregate classification.
Comment: ACMG Criteria: PM2_P; Variant was found in heterozygous state

St. Jude Molecular Pathology, St. Jude Children's Research Hospital
Classification: Pathogenic for Breast-ovarian cancer, familial, susceptibility to, 1. Last evaluated: 2024-01-22. Review status: criteria provided, single submitter. Criteria: St. Jude Assertion Criteria 2020. Collection method: clinical testing. Allele origin: germline. Not counted in ClinVar's aggregate classification.
Comment: The BRCA1 c.5266dup (p.Gln1756ProfsTer74) change duplicates one nucleotide to cause a frameshift and the creation of a premature stop codon. This change is predicted to cause protein truncation. This variant, which is also known as c.5382insC in published literature, has been reported in several individuals with BRCA1-related cancers (PMID: 7894492, 9634504, 10739756, 22666503, 24737347, 26440929, 27433846, 32058061) and is an Ashkenazi Jewish founder mutation (PMID: 30152102). In summary, this variant meets criteria to be classified as pathogenic.

Institute of Human Genetics, FAU Erlangen, Friedrich-Alexander-Universität Erlangen-Nürnberg
Classification: Pathogenic. Last evaluated: 2024-01-17. Review status: criteria provided, single submitter. Criteria: Hauer et al. (Genet Med. 2018). Collection method: clinical testing. Allele origin: germline. Inheritance: Unknown mechanism. Affected: yes. Observed: 1 variant allele. Not counted in ClinVar's aggregate classification.
Comment: This variant has been identified by standard clinical testing.